The following is an entry in ClinVar:

NM_004727.3(SLC24A1):c.55C>T (p.Arg19Trp)

Gene: SLC24A1 (solute carrier family 24 member 1; plus strand). Cytogenetic location: 15q22.31.
Variant type: single nucleotide variant.
Coding change: c.55C>T on transcript NM_004727.3 (MANE Select); coding-DNA position 55, C replaced by T.
Protein change: p.Arg19Trp; replaces arginine 19 with tryptophan.
Molecular consequence: missense variant.
Genome position (GRCh38, 1-based): chr15:65,624,135, C>T. VCF-style: chr15-65624135-C-T. GRCh37 (hg19) VCF-style: chr15-65916473-C-T.
Other names: c.55C>T (NM_004727.2); c.55C>T, p.Arg19Trp (NM_001301031.1, NM_001301032.1, NM_001301033.2); short protein forms R19W.
Identifiers: ClinVar variation 1366997 (VCV001366997.8), dbSNP rs766449693, ClinGen allele CA7619680.
Genomic context (GRCh38, chr15:65,624,135, plus strand): 5'-GCCAGCATGGGGAAATTGATCAGGATGGGGCCGCAAGAGAGGTGGTTACTCCGGACAAAG[C>T]GGCTTCATTGGAGTCGCCTCCTCTTCTTACTGGGAATGTTGATCATCGGTTCTACTTATC-3'
Protein context (NP_004718.1, residues 9-29): PQERWLLRTK[Arg19Trp]LHWSRLLFLL

ClinVar aggregate classification (germline): Uncertain significance. Review status: criteria provided, multiple submitters, no conflicts (2 of 4 stars). 4 submissions from 4 submitters: Uncertain significance (3). 1 of the submissions does not count toward it. Last evaluated 2025-05-21.

Conditions:
Inborn genetic diseases. Identifiers: MedGen C0950123, MeSH D030342.
Retinal dystrophy. Also called: Inherited retinal dystrophy. Identifiers: Orphanet 71862, MedGen C0854723, MeSH D058499, MONDO:0019118, HP:0000556.

Allele frequency attached by ClinVar (database versions not stated): gnomAD exomes 0.00002; ExAC 0.00003.
gnomAD v4.1: 25 of 1,612,660 alleles (0.0016%); highest among the groups gnomAD compares: African/African-American, 0.008%; no homozygotes.

Submissions (4):

Ambry Genetics
Classification: Uncertain significance for Inborn genetic diseases. Last evaluated: 2025-05-21. Review status: criteria provided, single submitter. Criteria: Ambry Variant Classification Scheme 2023. Collection method: clinical testing. Allele origin: germline.

Labcorp Genetics (formerly Invitae), Labcorp
Classification: Uncertain significance. Last evaluated: 2021-11-01. Review status: criteria provided, single submitter. Criteria: Invitae Variant Classification Sherloc (09022015). Collection method: clinical testing. Allele origin: germline.
Comment: This sequence change replaces arginine, which is basic and polar, with tryptophan, which is neutral and slightly polar, at codon 19 of the SLC24A1 protein (p.Arg19Trp). This variant is present in population databases (rs766449693, gnomAD 0.004%). This variant has not been reported in the literature in individuals affected with SLC24A1-related conditions. Algorithms developed to predict the effect of missense changes on protein structure and function are either unavailable or do not agree on the potential impact of this missense change (SIFT: "Deleterious"; PolyPhen-2: "Possibly Damaging"; Align-GVGD: "Class C0"). In summary, the available evidence is currently insufficient to determine the role of this variant in disease. Therefore, it has been classified as a Variant of Uncertain Significance.

Blueprint Genetics
Classification: Uncertain significance. Last evaluated: 2021-03-17. Review status: criteria provided, single submitter. Criteria: ACMG Guidelines, 2015. Collection method: clinical testing. Allele origin: germline.

Institute of Human Genetics, Univ. Regensburg, Univ. Regensburg
Classification: Uncertain significance for Retinal dystrophy. Last evaluated: 2023-01-01. Review status: no assertion criteria provided. Criteria: ACMG Guidelines, 2015. Collection method: clinical testing. Allele origin: germline. Affected: yes. Not counted in ClinVar's aggregate classification.